The following is an entry in ClinVar:

ClinVar aggregate classification (germline): Uncertain significance (1 of 4 stars; one submission).

Conditions:
Supravalvar aortic stenosis (SVAS). Also called: Supravalvar aortic stenosis, Eisenberg type. Identifiers: Orphanet 3193, MedGen C0003499, MONDO:0008504, OMIM 185500, HP:0004381.

Submission:

Labcorp Genetics (formerly Invitae), Labcorp
Classification: Uncertain significance for Supravalvar aortic stenosis. Last evaluated: 2025-03-30. Review status: criteria provided, single submitter. Criteria: Invitae Variant Classification Sherloc (09022015). Collection method: clinical testing. Allele origin: germline.
Comment: This sequence change replaces proline, which is neutral and non-polar, with leucine, which is neutral and non-polar, at codon 755 of the ELN protein (p.Pro755Leu). This variant is not present in population databases (gnomAD no frequency). This variant has not been reported in the literature in individuals affected with ELN-related conditions. Invitae Evidence Modeling of protein sequence and biophysical properties (such as structural, functional, and spatial information, amino acid conservation, physicochemical variation, residue mobility, and thermodynamic stability) indicates that this missense variant is not expected to disrupt ELN protein function with a negative predictive value of 80%. In summary, the available evidence is currently insufficient to determine the role of this variant in disease. Therefore, it has been classified as a Variant of Uncertain Significance.

NM_000501.4(ELN):c.2078C>T (p.Pro693Leu)

Gene: ELN (elastin; plus strand). Cytogenetic location: 7q11.23.
Variant type: single nucleotide variant.
Coding change: c.2078C>T on transcript NM_000501.4 (MANE Select); coding-DNA position 2078, C replaced by T.
Protein change: p.Pro693Leu; replaces proline 693 with leucine.
Molecular consequence: missense variant. On other transcripts: intron variant (6).
Genome position (GRCh38, 1-based): chr7:74,065,989, C>T. VCF-style: chr7-74065989-C-T. GRCh37 (hg19) VCF-style: chr7-73480319-C-T.
Other names: c.2021C>T, p.Pro674Leu (NM_001081755.3); c.1835C>T, p.Pro612Leu (NM_001278913.2); c.2006C>T, p.Pro669Leu (NM_001278914.2); c.2096C>T, p.Pro699Leu (NM_001278915.2); c.2048C>T, p.Pro683Leu (NM_001278917.2); c.2264C>T, p.Pro755Leu (NM_001278939.2); c.2047+257C>T (NM_001081754.3); c.1990+257C>T (NM_001081753.3); and 4 more; short protein forms P669L, P612L, P674L, P755L, P693L, P683L, P699L.
Identifiers: ClinVar variation 4752894 (VCV004752894.1).